The following is an entry in ClinVar:

NM_018344.6(SLC29A3):c.674A>G (p.Asp225Gly)

Gene: SLC29A3 (solute carrier family 29 member 3; plus strand). Cytogenetic location: 10q22.1.
Variant type: single nucleotide variant.
Coding change: c.674A>G on transcript NM_018344.6 (MANE Select); coding-DNA position 674, A replaced by G.
Protein change: p.Asp225Gly; replaces aspartic acid 225 with glycine.
Molecular consequence: missense variant. On other transcripts: non-coding transcript variant (2).
Genome position (GRCh38, 1-based): chr10:71,356,144, A>G. VCF-style: chr10-71356144-A-G. GRCh37 (hg19) VCF-style: chr10-73115901-A-G.
Other names: p.Asp225Gly; c.674A>G, p.Asp225Gly (NM_001174098.2); c.440A>G, p.Asp147Gly (NM_001363518.2); short protein forms D147G, D225G.
Identifiers: ClinVar variation 840309 (VCV000840309.12), dbSNP rs140852642, ClinGen allele CA5543015.
Genomic context (GRCh38, chr10:71,356,144, plus strand): 5'-GAGCCATGGGCGGGACGGTCAGCGCCGTGGCCTCATTGGTGGACTTGGCTGCATCCAGTG[A>G]TGTGAGGAACAGCGCCCTGGCCTTCTTCCTGACGGCCACTGTCTTCCTCGTGCTCTGCAT-3'
Protein context (NP_060814.4, residues 215-235): ASLVDLAASS[Asp225Gly]VRNSALAFFL

ClinVar aggregate classification (germline): Uncertain significance. Review status: criteria provided, multiple submitters, no conflicts (2 of 4 stars). 4 submissions from 4 submitters: Uncertain significance (4). Last evaluated 2025-12-10.

Conditions:
H syndrome. Also called: HISTIOCYTOSIS AND LYMPHADENOPATHY WITH OR WITHOUT CUTANEOUS, CARDIAC, AND/OR ENDOCRINE FEATURES, JOINT CONTRACTURES, AND/OR DEAFNESS; HYPERPIGMENTATION, CUTANEOUS, WITH HYPERTRICHOSIS, HEPATOSPLENOMEGALY, HEART ANOMALIES, AND HYPOGONADISM WITH OR WITHOUT HEARING LOSS; PIGMENTED HYPERTRICHOSIS WITH INSULIN-DEPENDENT DIABETES MELLITUS; ROSAI-DORFMAN DISEASE, FAMILIAL; SINUS HISTIOCYTOSIS AND MASSIVE LYMPHADENOPATHY; Hyperpigmentation, Cutaneous, with Hypertrichosis, Hepatosplenomegaly, Heart Anomalies, Hearing Loss, and Hypogonadism. Identifiers: Orphanet 168569, MedGen C1864445, MONDO:0011273, OMIM 602782.
Inborn genetic diseases. Identifiers: MedGen C0950123, MeSH D030342.

Allele frequency attached by ClinVar (database versions not stated): gnomAD exomes 0.00005 and 0.00007; TOPMed 0.00006; ExAC 0.00007; 1000 Genomes Project 30x 0.00016; 1000 Genomes Project 0.00020; ESP Exome Variant Server 0.00023; gnomAD 0.00008.
gnomAD v4.1: 76 of 1,614,114 alleles (0.0047%); highest among the groups gnomAD compares: Non-Finnish European, 0.0061%; no homozygotes.

Submissions (5):

Ambry Genetics
Classification: Uncertain significance for Inborn genetic diseases. Last evaluated: 2025-12-10. Review status: criteria provided, single submitter. Criteria: Ambry Variant Classification Scheme 2023. Collection method: clinical testing. Allele origin: germline.

Women's Health and Genetics/Laboratory Corporation of America, LabCorp
Classification: Uncertain significance. Last evaluated: 2025-09-25. Review status: criteria provided, single submitter. Criteria: LabCorp Variant Classification Summary - May 2015. Collection method: clinical testing. Allele origin: germline.
Comment: Variant summary: SLC29A3 c.674A>G (p.Asp225Gly) results in a non-conservative amino acid change in the encoded protein sequence. Algorithms developed to predict the effect of missense changes on protein structure and function are either unavailable or do not agree on the potential impact of this missense change. The variant allele was found at a frequency of 7.2e-05 in 251478 control chromosomes. This frequency is not significantly higher than estimated for disease-causing variants in SLC29A3, allowing no conclusion about variant significance. To our knowledge, no occurrence of c.674A>G in individuals affected with SLC29A3-related conditions and no experimental evidence demonstrating its impact on protein function have been reported. ClinVar contains an entry for this variant (Variation ID: 840309). Based on the evidence outlined above, the variant was classified as uncertain significance.

Mayo Clinic Laboratories, Mayo Clinic
Classification: Uncertain significance. Last evaluated: 2024-04-24. Review status: criteria provided, single submitter. Criteria: ACMG Guidelines, 2015. Collection method: clinical testing. Allele origin: germline. Observed: 1 variant allele.

Labcorp Genetics (formerly Invitae), Labcorp
Classification: Uncertain significance for H syndrome. Last evaluated: 2022-08-19. Review status: criteria provided, single submitter. Criteria: Invitae Variant Classification Sherloc (09022015). Collection method: clinical testing. Allele origin: germline.
Comment: This sequence change replaces aspartic acid, which is acidic and polar, with glycine, which is neutral and non-polar, at codon 225 of the SLC29A3 protein (p.Asp225Gly). This variant is present in population databases (rs140852642, gnomAD 0.01%). This variant has not been reported in the literature in individuals affected with SLC29A3-related conditions. ClinVar contains an entry for this variant (Variation ID: 840309). Algorithms developed to predict the effect of missense changes on protein structure and function are either unavailable or do not agree on the potential impact of this missense change (SIFT: "Tolerated"; PolyPhen-2: "Possibly Damaging"; Align-GVGD: "Class C0"). In summary, the available evidence is currently insufficient to determine the role of this variant in disease. Therefore, it has been classified as a Variant of Uncertain Significance.

Dr. Peter K. Rogan Lab, Western University
No classification provided (evidence only). Condition: Clear cell carcinoma of kidney. Review status: no classification provided. Collection method: in vitro. Allele origin: not applicable. Functional consequence: retained intron. Not counted in ClinVar's aggregate classification.

Literature cited by the submitters: PubMed 28729424 (cited by Mayo Clinic Laboratories, Mayo Clinic).